The following is an entry in ClinVar:

ClinVar aggregate classification (germline): Pathogenic (1 of 4 stars; one submission).

Conditions:
Fanconi anemia (FA). Also called: Fanconi's anemia. Identifiers: Orphanet 84, MedGen C0015625, MeSH D005199, MONDO:0019391.

Submission:

Labcorp Genetics (formerly Invitae), Labcorp
Classification: Pathogenic for Fanconi anemia. Last evaluated: 2023-05-17. Review status: criteria provided, single submitter. Criteria: Invitae Variant Classification Sherloc (09022015). Collection method: clinical testing. Allele origin: germline.
Comment: For these reasons, this variant has been classified as Pathogenic. This variant has not been reported in the literature in individuals affected with FANCM-related conditions. This variant is not present in population databases (gnomAD no frequency). This sequence change creates a premature translational stop signal (p.Phe1201Leufs*14) in the FANCM gene. It is expected to result in an absent or disrupted protein product. Loss-of-function variants in FANCM are known to be pathogenic (PMID: 29895858, 30075111).

Literature cited by the submitters: PubMed 29895858; PubMed 30075111.

NM_020937.4(FANCM):c.3603del (p.Phe1201fs)

Gene: FANCM (FA complementation group M; plus strand). Cytogenetic location: 14q21.2.
Variant type: Deletion.
Coding change: c.3603del on transcript NM_020937.4 (MANE Select); coding-DNA position 3603, one base deleted (T; older notation c.3603delT).
Protein change: p.Phe1201fs; shifts the reading frame from phenylalanine 1201.
Molecular consequence: frameshift variant.
Genome position (GRCh38, 1-based): chr14:45,176,357, T deleted; the last of 4 consecutive T bases (chr14:45,176,354-45,176,357); deleting any one gives the same sequence. VCF-style (leftmost placement, unchanged base first): chr14-45176353-GT-G. GRCh37 (hg19) VCF-style: chr14-45645556-GT-G.
Other names: c.3525del, p.Phe1175fs (NM_001308133.2); short protein forms F1175fs, F1201fs.
Identifiers: ClinVar variation 2821599 (VCV002821599.3), dbSNP rs1566765375, ClinGen allele CA919408245.